The following is an entry in ClinVar:

NM_001110556.2(FLNA):c.842C>T (p.Pro281Leu)

Gene: FLNA (filamin A; minus strand). Cytogenetic location: Xq28.
Variant type: single nucleotide variant.
Coding change: c.842C>T on transcript NM_001110556.2 (MANE Select); coding-DNA position 842, C replaced by T.
Protein change: p.Pro281Leu; replaces proline 281 with leucine.
Molecular consequence: missense variant.
Genome position (GRCh38, 1-based): chrX:154,367,423, G>A on the plus strand (C>T on the coding strand, the complement: FLNA is on the minus strand). VCF-style: chrX-154367423-G-A. GRCh37 (hg19) VCF-style: chrX-153595791-G-A.
Other names: c.842C>T, p.Pro281Leu (NM_001456.4); short protein forms P281L.
Identifiers: ClinVar variation 2501974 (VCV002501974.5), dbSNP rs1041066623, ClinGen allele CA337284108.

ClinVar aggregate classification (germline): Uncertain significance. Review status: criteria provided, multiple submitters, no conflicts (2 of 4 stars). 3 submissions from 3 submitters: Uncertain significance (3). Last evaluated 2024-10-18.

Conditions:
Familial thoracic aortic aneurysm and aortic dissection (TAAD). Also called: Thoracic aortic aneurysms and dissections. Identifiers: Orphanet 91387, MedGen C4707243, MONDO:0019625.
Melnick-Needles syndrome (MNS). Also called: MELNICK-NEEDLES OSTEODYSPLASTY; OSTEODYSPLASTY OF MELNICK AND NEEDLES; Melnick-Needles Syndrome (FLNA-MNS). Identifiers: Orphanet 2484, MedGen C0025237, MONDO:0010650, OMIM 309350.
Oto-palato-digital syndrome, type II (OPD2). Also called: Otopalatodigital Syndrome Type 2 (FLNA-OPD2); FACIOPALATOOSSEOUS SYNDROME; OPD II SYNDROME; Otopalatodigital Syndrome, Type II. Identifiers: Orphanet 669, Orphanet 90652, MedGen C1844696, MONDO:0010571, OMIM 304120.
Frontometaphyseal dysplasia (FMD1). Identifiers: Orphanet 1826, MedGen C0265293, MONDO:0015942.
Heterotopia, periventricular, X-linked dominant (PVNH1). Also called: PERIVENTRICULAR NODULAR HETEROTOPIA 1; X-linked periventricular heterotopia; PERIVENTRICULAR NODULAR HETEROTOPIA 4; HETEROTOPIA, PERIVENTRICULAR, 1. Identifiers: Orphanet 2149, Orphanet 82004, MedGen C1848213, MONDO:0010233, OMIM 300049.

Allele frequency attached by ClinVar (database versions not stated): gnomAD exomes below 0.00001.
gnomAD v4.1: 1 of 1,211,513 alleles (0.000083%); highest among the groups gnomAD compares: East Asian, 0.003%; no homozygotes.

Submissions (3):

GeneDx
Classification: Uncertain significance. Last evaluated: 2024-10-18. Review status: criteria provided, single submitter. Criteria: GeneDx Variant Classification Process June 2021. Collection method: clinical testing. Allele origin: germline.
Comment: Reported as a variant of uncertain significance in an individual with craniosynostosis (PMID: 29168297); Not observed at significant frequency in large population cohorts (gnomAD); In silico analysis supports that this missense variant has a deleterious effect on protein structure/function; This variant is associated with the following publications: (PMID: 29168297)

Labcorp Genetics (formerly Invitae), Labcorp
Classification: Uncertain significance for Oto-palato-digital syndrome, type II; Heterotopia, periventricular, X-linked dominant; Frontometaphyseal dysplasia; Melnick-Needles syndrome. Last evaluated: 2024-08-28. Review status: criteria provided, single submitter. Criteria: Invitae Variant Classification Sherloc (09022015). Collection method: clinical testing. Allele origin: germline.
Comment: This sequence change replaces proline, which is neutral and non-polar, with leucine, which is neutral and non-polar, at codon 281 of the FLNA protein (p.Pro281Leu). This variant is not present in population databases (gnomAD no frequency). This missense change has been observed in individual(s) with clinical features of FLNA-related conditions (PMID: 29168297). ClinVar contains an entry for this variant (Variation ID: 2501974). Invitae Evidence Modeling of protein sequence and biophysical properties (such as structural, functional, and spatial information, amino acid conservation, physicochemical variation, residue mobility, and thermodynamic stability) indicates that this missense variant is not expected to disrupt FLNA protein function with a negative predictive value of 95%. In summary, the available evidence is currently insufficient to determine the role of this variant in disease. Therefore, it has been classified as a Variant of Uncertain Significance.

Ambry Genetics
Classification: Uncertain significance for Familial thoracic aortic aneurysm and aortic dissection. Last evaluated: 2024-03-01. Review status: criteria provided, single submitter. Criteria: Ambry Variant Classification Scheme 2023. Collection method: clinical testing. Allele origin: germline.
Comment: The p.P281L variant (also known as c.842C>T), located in coding exon 4 of the FLNA gene, results from a C to T substitution at nucleotide position 842. The proline at codon 281 is replaced by leucine, an amino acid with similar properties. This alteration has been reported in a craniosynostosis cohort (Clarke CM et al. Am J Med Genet A, 2018 Feb;176:290-300). This amino acid position is highly conserved in available vertebrate species. In addition, the in silico prediction for this alteration is inconclusive. Based on the available evidence, the clinical significance of this alteration remains unclear.

Literature cited by the submitters: PubMed 29168297 (cited by Labcorp Genetics (formerly Invitae), Labcorp and Ambry Genetics).